The following is an entry in ClinVar:

NM_001374353.1(GLI2):c.2769C>A (p.Gly923=)

Gene: GLI2 (GLI family zinc finger 2; plus strand). Cytogenetic location: 2q14.2.
Variant type: single nucleotide variant.
Coding change: c.2769C>A on transcript NM_001374353.1 (MANE Select); coding-DNA position 2769, C replaced by A.
Protein change: p.Gly923=; no amino-acid change (glycine 923 retained).
Molecular consequence: synonymous variant.
Genome position (GRCh38, 1-based): chr2:120,988,734, C>A. VCF-style: chr2-120988734-C-A. GRCh37 (hg19) VCF-style: chr2-121746310-C-A.
Other names: c.2820C>A, p.Gly940= (NM_001371271.1, NM_005270.5); c.2394C>A, p.Gly798= (NM_001374354.1).
Identifiers: ClinVar variation 3067782 (VCV003067782.21), dbSNP rs1310224410, ClinGen allele CA428749406.

ClinVar aggregate classification (germline): Likely benign (1 of 4 stars; one submission).

Submission:

CeGaT Center for Human Genetics Tuebingen
Classification: Likely benign. Last evaluated: 2024-03-01. Review status: criteria provided, single submitter. Criteria: CeGaT Center For Human Genetics Tuebingen Variant Classification Criteria Version 2. Collection method: clinical testing. Allele origin: germline. Affected: yes. Observed: 1 variant allele.
Comment: GLI2: PM2:Supporting, BP4, BP7